The following is an entry in ClinVar:

NM_004998.4(MYO1E):c.860A>G (p.Asn287Ser)

Gene: MYO1E (myosin IE; minus strand). Cytogenetic location: 15q22.2.
Variant type: single nucleotide variant.
Coding change: c.860A>G on transcript NM_004998.4 (MANE Select); coding-DNA position 860, A replaced by G.
Protein change: p.Asn287Ser; replaces asparagine 287 with serine.
Molecular consequence: missense variant.
Genome position (GRCh38, 1-based): chr15:59,223,109, T>C on the plus strand (A>G on the coding strand, the complement: MYO1E is on the minus strand). VCF-style: chr15-59223109-T-C. GRCh37 (hg19) VCF-style: chr15-59515308-T-C.
Other names: c.860A>G (NM_004998.2); short protein forms N287S.
Identifiers: ClinVar variation 971084 (VCV000971084.11), dbSNP rs777480960, ClinGen allele CA7590176.

ClinVar aggregate classification (germline): Uncertain significance. Review status: criteria provided, multiple submitters, no conflicts (2 of 4 stars). 2 submissions from 2 submitters: Uncertain significance (2). Last evaluated 2021-09-01.

Conditions:
Inborn genetic diseases. Identifiers: MedGen C0950123, MeSH D030342.

Allele frequency attached by ClinVar (database versions not stated): ExAC 0.00001; gnomAD 0.00001; gnomAD exomes 0.00001 and 0.00003; TOPMed 0.00001.
gnomAD v4.1: 51 of 1,614,102 alleles (0.0032%); highest among the groups gnomAD compares: Non-Finnish European, 0.0041%; no homozygotes.

Submissions (2):

Ambry Genetics
Classification: Uncertain significance for Inborn genetic diseases. Last evaluated: 2021-09-01. Review status: criteria provided, single submitter. Criteria: Ambry Variant Classification Scheme 2023. Collection method: clinical testing. Allele origin: germline.

Labcorp Genetics (formerly Invitae), Labcorp
Classification: Uncertain significance. Last evaluated: 2021-06-05. Review status: criteria provided, single submitter. Criteria: Invitae Variant Classification Sherloc (09022015). Collection method: clinical testing. Allele origin: germline.
Comment: This sequence change replaces asparagine with serine at codon 287 of the MYO1E protein (p.Asn287Ser). The asparagine residue is highly conserved and there is a small physicochemical difference between asparagine and serine. This variant is present in population databases (rs777480960, ExAC 0.001%). This variant has not been reported in the literature in individuals with MYO1E-related conditions. Algorithms developed to predict the effect of missense changes on protein structure and function (SIFT, PolyPhen-2, Align-GVGD) all suggest that this variant is likely to be tolerated, but these predictions have not been confirmed by published functional studies and their clinical significance is uncertain. In summary, the available evidence is currently insufficient to determine the role of this variant in disease. Therefore, it has been classified as a Variant of Uncertain Significance.